The following is an entry in ClinVar:

NM_001005361.3(DNM2):c.806C>T (p.Ala269Val)

Gene: DNM2 (dynamin 2; plus strand). Cytogenetic location: 19p13.2.
Variant type: single nucleotide variant.
Coding change: c.806C>T on transcript NM_001005361.3 (MANE Select); coding-DNA position 806, C replaced by T.
Protein change: p.Ala269Val; replaces alanine 269 with valine.
Molecular consequence: missense variant.
Genome position (GRCh38, 1-based): chr19:10,783,077, C>T. VCF-style: chr19-10783077-C-T. GRCh37 (hg19) VCF-style: chr19-10893753-C-T.
Other names: c.806C>T, p.Ala269Val (NM_001005360.3, NM_001005362.3, NM_001190716.2 and 1 more transcripts); short protein forms A269V.
Identifiers: ClinVar variation 940632 (VCV000940632.9), dbSNP rs868210157, ClinGen allele CA305274069.

ClinVar aggregate classification (germline): Uncertain significance (1 of 4 stars; one submission).

Conditions:
Charcot-Marie-Tooth disease dominant intermediate B (CMTDIB). Also called: CHARCOT-MARIE-TOOTH NEUROPATHY, DOMINANT INTERMEDIATE B; Charcot-Marie-Tooth disease dominant intermediate 1; CMT DI1; Charcot-Marie-Tooth disease dominant intermediate I. Identifiers: Orphanet 100044, Orphanet 228179, MedGen C1847902, MONDO:0011674, OMIM 606482.

Submission:

Labcorp Genetics (formerly Invitae), Labcorp
Classification: Uncertain significance for Charcot-Marie-Tooth disease dominant intermediate B. Last evaluated: 2022-11-08. Review status: criteria provided, single submitter. Criteria: Invitae Variant Classification Sherloc (09022015). Collection method: clinical testing. Allele origin: germline.
Comment: In summary, the available evidence is currently insufficient to determine the role of this variant in disease. Therefore, it has been classified as a Variant of Uncertain Significance. Algorithms developed to predict the effect of missense changes on protein structure and function (SIFT, PolyPhen-2, Align-GVGD) all suggest that this variant is likely to be disruptive. ClinVar contains an entry for this variant (Variation ID: 940632). This variant has not been reported in the literature in individuals affected with DNM2-related conditions. This variant is not present in population databases (gnomAD no frequency). This sequence change replaces alanine, which is neutral and non-polar, with valine, which is neutral and non-polar, at codon 269 of the DNM2 protein (p.Ala269Val).